The following is an entry in ClinVar:

ClinVar aggregate classification (germline): Uncertain significance. Review status: criteria provided, multiple submitters, no conflicts (2 of 4 stars). 2 submissions from 2 submitters: Uncertain significance (2). Last evaluated 2024-02-05.

Conditions:
Tumor predisposition syndrome 3 (TPDS3). Also called: Melanoma, cutaneous malignant, susceptibility to, 10; Glioma susceptibility 9; LONG TELOMERE SYNDROME, POT1-RELATED; POT1 Tumor Predisposition. Identifiers: Orphanet 618, MedGen C4014476, MONDO:0014368, OMIM 615848.
Hereditary cancer-predisposing syndrome. Also called: Neoplastic Syndromes, Hereditary; Tumor predisposition; Hereditary Cancer Syndrome; Hereditary neoplastic syndrome. Identifiers: Orphanet 140162, MedGen C0027672, MeSH D009386, MONDO:0015356.

Submissions (2):

Labcorp Genetics (formerly Invitae), Labcorp
Classification: Uncertain significance for Tumor predisposition syndrome 3. Last evaluated: 2024-02-05. Review status: criteria provided, single submitter. Criteria: Invitae Variant Classification Sherloc (09022015). Collection method: clinical testing. Allele origin: germline.
Comment: This sequence change replaces aspartic acid, which is acidic and polar, with alanine, which is neutral and non-polar, at codon 584 of the POT1 protein (p.Asp584Ala). This variant is not present in population databases (gnomAD no frequency). This variant has not been reported in the literature in individuals affected with POT1-related conditions. ClinVar contains an entry for this variant (Variation ID: 2121019). Advanced modeling of protein sequence and biophysical properties (such as structural, functional, and spatial information, amino acid conservation, physicochemical variation, residue mobility, and thermodynamic stability) performed at Invitae indicates that this missense variant is not expected to disrupt POT1 protein function with a negative predictive value of 80%. In summary, the available evidence is currently insufficient to determine the role of this variant in disease. Therefore, it has been classified as a Variant of Uncertain Significance.

Ambry Genetics
Classification: Uncertain significance for Hereditary cancer-predisposing syndrome. Last evaluated: 2023-06-29. Review status: criteria provided, single submitter. Criteria: Ambry Variant Classification Scheme 2023. Collection method: clinical testing. Allele origin: germline.

NM_015450.3(POT1):c.1751A>C (p.Asp584Ala)

Gene: POT1 (protection of telomeres 1; minus strand). Cytogenetic location: 7q31.33.
Variant type: single nucleotide variant.
Coding change: c.1751A>C on transcript NM_015450.3 (MANE Select); coding-DNA position 1751, A replaced by C.
Protein change: p.Asp584Ala; replaces aspartic acid 584 with alanine.
Molecular consequence: missense variant. On other transcripts: non-coding transcript variant (3).
Genome position (GRCh38, 1-based): chr7:124,825,293, T>G on the plus strand (A>C on the coding strand, the complement: POT1 is on the minus strand). VCF-style: chr7-124825293-T-G. GRCh37 (hg19) VCF-style: chr7-124465347-T-G.
Other names: c.1751A>C (NM_015450.2); c.1358A>C, p.Asp453Ala (NM_001042594.2); short protein forms D453A, D584A.
Identifiers: ClinVar variation 2121019 (VCV002121019.5), dbSNP rs2116407804, ClinGen allele CA369062275.
Genomic context (GRCh38, chr7:124,825,293, plus strand): 5'-TTAAAATATTCTTGCCTACCAATTTTTATTCCTGGAGGACAAAACATATCCATGATCATA[T>G]CCACACTTTTCTGAAGGTCATCATCCATCAGAACTTCTGATGCTGGAATCTGGAAGAATT-3'
Protein context (NP_056265.2, residues 574-594): LMDDDLQKSV[Asp584Ala]MIMDMFCPPG